The following is an entry in ClinVar:

ClinVar aggregate classification (germline): Uncertain significance (1 of 4 stars; one submission).

Submission:

Labcorp Genetics (formerly Invitae), Labcorp
Classification: Uncertain significance. Last evaluated: 2023-10-16. Review status: criteria provided, single submitter. Criteria: Invitae Variant Classification Sherloc (09022015). Collection method: clinical testing. Allele origin: germline.
Comment: This variant, c.208_213del, results in the deletion of 2 amino acid(s) of the RUNX2 protein (p.Gln70_Gln71del), but otherwise preserves the integrity of the reading frame. The frequency data for this variant in the population databases is considered unreliable, as metrics indicate poor data quality at this position in the gnomAD database. This variant has not been reported in the literature in individuals affected with RUNX2-related conditions. Experimental studies and prediction algorithms are not available or were not evaluated, and the functional significance of this variant is currently unknown. In summary, the available evidence is currently insufficient to determine the role of this variant in disease. Therefore, it has been classified as a Variant of Uncertain Significance.

NM_001024630.4(RUNX2):c.196CAG[4] (p.Gln70_Gln71del)

Genes: RUNX2 (RUNX family transcription factor 2; plus strand), LOC109611589 (runt related transcription factor 2 polyalanine expansion region; plus strand). Cytogenetic location: 6p21.1.
Variant type: Microsatellite.
Coding change: c.196CAG[4] on transcript NM_001024630.4 (MANE Select); four copies in a row of the 3-base unit CAG starting at c.196; the reference has six copies in a row; two copies, 6 bases deleted.
Protein change: p.Gln70_Gln71del.
Molecular consequence: inframe deletion. On other transcripts: inframe indel (1).
Genome position (GRCh38, 1-based): chr6:45,422,742-45,422,747, CAGCAG deleted; deleting any 6 consecutive bases within chr6:45,422,730-45,422,747 gives the same sequence; the position shown is the placement nearest the transcript's 3' end. VCF-style (leftmost placement, unchanged base first): chr6-45422729-ACAGCAG-A. GRCh37 (hg19) VCF-style: chr6-45390466-ACAGCAG-A.
Other names: c.196CAG[4], p.Gln70_Gln71del (NM_001015051.4); c.154CAG[4], p.Gln56_Gln57del (NM_001278478.2, NM_001369405.1); c.154_156CAG[4], p.Gln56_Gln57del (NM_004348.3).
Identifiers: ClinVar variation 2769121 (VCV002769121.3), dbSNP rs751673070, ClinGen allele CA567156248.